The following is an entry in ClinVar:

ClinVar aggregate classification (germline): Conflicting classifications of pathogenicity. Review status: criteria provided, conflicting classifications (1 of 4 stars). 6 submissions from 6 submitters: Uncertain significance (4); Likely benign (2). Last evaluated 2025-05-19.

Conditions:
Familial cancer of breast. Also called: BREAST CANCER, FAMILIAL; hereditary breast carcinoma; Hereditary breast cancer. Identifiers: Orphanet 227535, MedGen C0346153, MONDO:0016419, OMIM 114480. Disease mechanism: loss of function.
Hereditary cancer-predisposing syndrome. Also called: Neoplastic Syndromes, Hereditary; Tumor predisposition; Hereditary Cancer Syndrome; Hereditary neoplastic syndrome. Identifiers: Orphanet 140162, MedGen C0027672, MeSH D009386, MONDO:0015356.
Hereditary breast ovarian cancer syndrome. Also called: Hereditary breast and ovarian cancer syndrome; BRCA1- and BRCA2-Associated Hereditary Breast and Ovarian Cancer; Breast and ovarian cancer; Hereditary breast and/or ovarian cancer syndrome; Hereditary breast and ovarian cancer; Hereditary breast and ovarian cancer syndrome (HBOC). Identifiers: Orphanet 145, MedGen C0677776, MeSH D061325, MONDO:0003582. Disease mechanism: loss of function.

Allele frequency attached by ClinVar (database versions not stated): gnomAD exomes below 0.00001; gnomAD 0.00001.
gnomAD v4.1: 3 of 1,613,852 alleles (0.00019%); highest among the groups gnomAD compares: East Asian, 0.0067%; no homozygotes.

Submissions (6):

Ambry Genetics
Classification: Likely benign for Hereditary cancer-predisposing syndrome. Last evaluated: 2025-05-19. Review status: criteria provided, single submitter. Criteria: Ambry Variant Classification Scheme 2023. Collection method: clinical testing. Allele origin: germline.

Labcorp Genetics (formerly Invitae), Labcorp
Classification: Uncertain significance for Hereditary breast ovarian cancer syndrome. Last evaluated: 2025-04-08. Review status: criteria provided, single submitter. Criteria: Invitae Variant Classification Sherloc (09022015). Collection method: clinical testing. Allele origin: germline.
Comment: This sequence change replaces aspartic acid, which is acidic and polar, with glutamic acid, which is acidic and polar, at codon 2680 of the BRCA2 protein (p.Asp2680Glu). This variant is not present in population databases (gnomAD no frequency). This missense change has been observed in individual(s) with breast cancer (PMID: 30287823). ClinVar contains an entry for this variant (Variation ID: 232824). Invitae Evidence Modeling of protein sequence and biophysical properties (such as structural, functional, and spatial information, amino acid conservation, physicochemical variation, residue mobility, and thermodynamic stability) indicates that this missense variant is not expected to disrupt BRCA2 protein function with a negative predictive value of 95%. Experimental studies have shown that this missense change does not substantially affect BRCA2 function (PMID: 37731132). In summary, the available evidence is currently insufficient to determine the role of this variant in disease. Therefore, it has been classified as a Variant of Uncertain Significance.

Quest Diagnostics Nichols Institute San Juan Capistrano
Classification: Uncertain significance. Last evaluated: 2024-11-08. Review status: criteria provided, single submitter. Criteria: Quest Diagnostics criteria. Collection method: clinical testing. Allele origin: unknown.
Comment: The BRCA2 c.8040C>G (p.Asp2680Glu) variant has been reported in the published literature in individuals affected with breast cancer (PMID: 25186627 (2015), 30287823 (2018)) as well as reportedly healthy individuals (PMID: 30287823 (2018), 36243179 (2022)). This variant was also reported to be functionally neutral in a homologous recombination assay (PMID: 37731132 (2023)). The frequency of this variant in the general population, 0.0000066 (1/152100 chromosomes (Genome Aggregation Database)), is uninformative in the assessment of its pathogenicity. Analysis of this variant using bioinformatics tools for the prediction of the effect of amino acid changes on protein structure and function yielded conflicting predictions that this variant is benign or damaging. Based on the available information, we are unable to determine the clinical significance of this variant.

Baylor Genetics
Classification: Uncertain significance for Familial cancer of breast. Last evaluated: 2023-12-04. Review status: criteria provided, single submitter. Criteria: ACMG Guidelines, 2015. Collection method: clinical testing. Allele origin: unknown.

Color Diagnostics, LLC DBA Color Health
Classification: Likely benign for Hereditary cancer-predisposing syndrome. Last evaluated: 2021-06-03. Review status: criteria provided, single submitter. Criteria: ACMG Guidelines, 2015. Collection method: clinical testing. Allele origin: germline.

GeneDx
Classification: Uncertain significance. Last evaluated: 2019-12-23. Review status: criteria provided, single submitter. Criteria: GeneDx Variant Classification Process June 2021. Collection method: clinical testing. Allele origin: germline. Affected: yes.
Comment: Observed in breast cancer cases and controls in a Japanese case-control study (Momozawa 2018); Not observed in large population cohorts (Lek 2016); In silico analysis, which includes protein predictors and evolutionary conservation, supports that this variant does not alter protein structure/function; Also known as 8268C>G; This variant is associated with the following publications: (PMID: 30287823)

Literature cited by the submitters: PubMed 25186627 (cited by Ambry Genetics and Quest Diagnostics Nichols Institute San Juan Capistrano); PubMed 30287823 (cited by 3 submitters); PubMed 37731132 (cited by Labcorp Genetics (formerly Invitae), Labcorp and Quest Diagnostics Nichols Institute San Juan Capistrano); PubMed 36243179 (cited by Quest Diagnostics Nichols Institute San Juan Capistrano).

NM_000059.4(BRCA2):c.8040C>G (p.Asp2680Glu)

Gene: BRCA2 (BRCA2 DNA repair associated; plus strand). Cytogenetic location: 13q13.1.
Variant type: single nucleotide variant.
Coding change: c.8040C>G on transcript NM_000059.4 (MANE Select); coding-DNA position 8040, C replaced by G.
Protein change: p.Asp2680Glu; replaces aspartic acid 2680 with glutamic acid.
Molecular consequence: missense variant.
Genome position (GRCh38, 1-based): chr13:32,363,242, C>G. VCF-style: chr13-32363242-C-G. GRCh37 (hg19) VCF-style: chr13-32937379-C-G.
Other names: short protein forms D2680E.
Identifiers: ClinVar variation 232824 (VCV000232824.24), dbSNP rs876660013, ClinGen allele CA10579765.